The following is an entry in ClinVar:

NM_024675.4(PALB2):c.2515-11_2515-10insCAGTTCATTAAA

Gene: PALB2 (partner and localizer of BRCA2; minus strand). Cytogenetic location: 16p12.2.
Variant type: Insertion.
Coding change: c.2515-11_2515-10insCAGTTCATTAAA on transcript NM_024675.4 (MANE Select); 11 bases into the intron before coding-DNA position 2515 through 10 bases into the intron before coding-DNA position 2515, CAGTTCATTAAA inserted.
Molecular consequence: intron variant.
Genome position: GRCh38 VCF-style: chr16-23629285-C-CTTTAATGAACTG. GRCh37 (hg19) VCF-style: chr16-23640606-C-CTTTAATGAACTG.
Other names: c.1630-11_1630-10insCAGTTCATTAAA (NM_001407308.1, NM_001407306.1, NM_001407307.1 and 5 more transcripts); c.49-11_49-10insCAGTTCATTAAA (NM_001407314.1); c.727-11_727-10insCAGTTCATTAAA (NM_001407313.1, NM_001407312.1); c.2455-11_2455-10insCAGTTCATTAAA (NM_001407296.1); c.2514+354_2514+355insCAGTTCATTAAA (NM_001407297.1); c.2515-11_2515-10insCAGTTCATTAAA (NM_001407302.1, NM_001407298.1, NM_001407300.1 and 2 more transcripts).
Identifiers: ClinVar variation 3076165 (VCV003076165.1), dbSNP rs2506398242, ClinGen allele CA2825002419.
Genomic context (GRCh38, chr16:23,629,285, plus strand): 5'-TAGGTTGCCTGGGTTTATGCTATCAGAAGCAGGAAGCTCTGCTGTTTCAGTCTGTGAAAA[C>CTTTAATGAACTG]AAAAGTCACATCATTAGTCTACACTTTATGTATAATGTCTGCCTGCATTACCCACTCATC-3'

ClinVar aggregate classification (germline): Uncertain significance (1 of 4 stars; one submission).

Conditions:
Hereditary cancer-predisposing syndrome. Also called: Neoplastic Syndromes, Hereditary; Tumor predisposition; Hereditary neoplastic syndrome; Hereditary Cancer Syndrome. Identifiers: Orphanet 140162, MedGen C0027672, MeSH D009386, MONDO:0015356.

Submission:

Ambry Genetics
Classification: Uncertain significance for Hereditary cancer-predisposing syndrome. Last evaluated: 2015-07-29. Review status: criteria provided, single submitter. Criteria: Ambry Variant Classification Scheme 2023. Collection method: clinical testing. Allele origin: germline.
Comment: Based on insufficient or conflicting evidence, the clinical significance of this alteration remains unclear.